The following is an entry in ClinVar:

ClinVar aggregate classification (germline): Uncertain significance (1 of 4 stars; one submission).

Conditions:
Developmental and epileptic encephalopathy, 23 (DEE23). Also called: Epileptic encephalopathy, early infantile, 23. Identifiers: Orphanet 411986, MedGen C4014492, MONDO:0014371, OMIM 615859.

Submission:

Labcorp Genetics (formerly Invitae), Labcorp
Classification: Uncertain significance for Developmental and epileptic encephalopathy, 23. Last evaluated: 2020-08-22. Review status: criteria provided, single submitter. Criteria: Invitae Variant Classification Sherloc (09022015). Collection method: clinical testing. Allele origin: germline.
Comment: This sequence change replaces methionine with lysine at codon 879 of the DOCK7 protein (p.Met879Lys). The methionine residue is moderately conserved and there is a moderate physicochemical difference between methionine and lysine. This variant is not present in population databases (ExAC no frequency). This variant has not been reported in the literature in individuals with DOCK7-related conditions. Algorithms developed to predict the effect of missense changes on protein structure and function (SIFT, PolyPhen-2, Align-GVGD) all suggest that this variant is likely to be tolerated, but these predictions have not been confirmed by published functional studies and their clinical significance is uncertain. In summary, the available evidence is currently insufficient to determine the role of this variant in disease. Therefore, it has been classified as a Variant of Uncertain Significance.

NM_001367561.1(DOCK7):c.2636T>A (p.Met879Lys)

Gene: DOCK7 (dedicator of cytokinesis 7; minus strand). Cytogenetic location: 1p31.3.
Variant type: single nucleotide variant.
Coding change: c.2636T>A on transcript NM_001367561.1 (MANE Select); coding-DNA position 2636, T replaced by A.
Protein change: p.Met879Lys; replaces methionine 879 with lysine.
Molecular consequence: missense variant.
Genome position (GRCh38, 1-based): chr1:62,552,862, A>T on the plus strand (T>A on the coding strand, the complement: DOCK7 is on the minus strand). VCF-style: chr1-62552862-A-T. GRCh37 (hg19) VCF-style: chr1-63018533-A-T.
Other names: c.2636T>A, p.Met879Lys (NM_001271999.2, NM_001272000.2, NM_001272001.2 and 2 more transcripts); short protein forms M879K.
Identifiers: ClinVar variation 1010845 (VCV001010845.9), dbSNP rs1645954985, ClinGen allele CA340620900.